The following is an entry in ClinVar:

NM_021095.4(SLC5A6):c.565G>A (p.Val189Ile)

Gene: SLC5A6 (solute carrier family 5 member 6; minus strand). Cytogenetic location: 2p23.3.
Variant type: single nucleotide variant.
Coding change: c.565G>A on transcript NM_021095.4 (MANE Select); coding-DNA position 565, G replaced by A.
Protein change: p.Val189Ile; replaces valine 189 with isoleucine.
Molecular consequence: missense variant. On other transcripts: non-coding transcript variant (1).
Genome position (GRCh38, 1-based): chr2:27,206,040, C>T on the plus strand (G>A on the coding strand, the complement: SLC5A6 is on the minus strand). VCF-style: chr2-27206040-C-T. GRCh37 (hg19) VCF-style: chr2-27428908-C-T.
Other names: short protein forms V189I.
Identifiers: ClinVar variation 2220066 (VCV002220066.8), dbSNP rs199685602, ClinGen allele CA1571780.

ClinVar aggregate classification (germline): Likely benign. Review status: criteria provided, multiple submitters, no conflicts (2 of 4 stars). 2 submissions from 2 submitters: Likely benign (2). Last evaluated 2025-05-01.

Conditions:
Inborn genetic diseases. Identifiers: MedGen C0950123, MeSH D030342.

Allele frequency attached by ClinVar (database versions not stated): 1000 Genomes Project 30x 0.00031; gnomAD 0.00008; 1000 Genomes Project 0.00020.
gnomAD v4.1: 78 of 1,613,834 alleles (0.0048%); highest among the groups gnomAD compares: Admixed American, 0.017%; 1 homozygote.

Submissions (2):

CeGaT Center for Human Genetics Tuebingen
Classification: Likely benign. Last evaluated: 2025-05-01. Review status: criteria provided, single submitter. Criteria: CeGaT Center For Human Genetics Tuebingen Variant Classification Criteria Version 2. Collection method: clinical testing. Allele origin: germline. Affected: yes. Observed: 1 variant allele.
Comment: SLC5A6: BP4, BS2

Ambry Genetics
Classification: Likely benign for Inborn genetic diseases. Last evaluated: 2021-07-13. Review status: criteria provided, single submitter. Criteria: Ambry Variant Classification Scheme 2023. Collection method: clinical testing. Allele origin: germline.